The following is an entry in ClinVar:

ClinVar aggregate classification (germline): Uncertain significance (1 of 4 stars; one submission).

Conditions:
WWOX-related disorder. Also called: WWOX-related condition.

Submission:

PreventionGenetics, part of Exact Sciences
Classification: Uncertain significance for WWOX-related condition. Last evaluated: 2026-03-18. Review status: criteria provided, single submitter. Criteria: ACMG Guidelines, 2015. Collection method: clinical testing. Allele origin: germline.
Comment: The WWOX c.535_536delinsAA variant is predicted to result in an in-frame deletion and insertion. To our knowledge, this variant has not been reported in the literature or in a large population database (gnomAD), indicating this variant is rare. At this time, the clinical significance of this variant is uncertain due to the absence of conclusive functional and genetic evidence.

NM_016373.4(WWOX):c.535_536delinsAA (p.Ala179Lys)

Gene: WWOX (WW domain containing oxidoreductase; plus strand). Cytogenetic location: 16q23.1.
Variant type: Indel.
Coding change: c.535_536delinsAA on transcript NM_016373.4 (MANE Select); coding-DNA positions 535 to 536, GC replaced by AA.
Protein change: p.Ala179Lys; replaces alanine 179 with lysine.
Molecular consequence: missense variant.
Genome position (GRCh38, 1-based): chr16:78,386,878-78,386,879, GC replaced by AA. VCF-style: chr16-78386878-GC-AA. GRCh37 (hg19) VCF-style: chr16-78420775-GC-AA.
Other names: c.196_197delinsAA, p.Ala66Lys (NM_001291997.2); short protein forms A179K, A66K.
Identifiers: ClinVar variation 4992235 (VCV004992235.1).